The following is an entry in ClinVar:

NM_000127.3(EXT1):c.1A>C (p.Met1Leu)

Gene: EXT1 (exostosin glycosyltransferase 1; minus strand). Cytogenetic location: 8q24.11.
Variant type: single nucleotide variant.
Coding change: c.1A>C on transcript NM_000127.3 (MANE Select); coding-DNA position 1, A replaced by C.
Protein change: p.Met1Leu; changes the start codon (methionine 1).
Molecular consequence: missense variant, initiator codon variant.
Genome position (GRCh38, 1-based): chr8:118,111,046, T>G on the plus strand (A>C on the coding strand, the complement: EXT1 is on the minus strand). VCF-style: chr8-118111046-T-G. GRCh37 (hg19) VCF-style: chr8-119123285-T-G.
Other names: short protein forms M1L.
Identifiers: ClinVar variation 2130082 (VCV002130082.5), dbSNP rs2488054045, ClinGen allele CA371916815.

ClinVar aggregate classification (germline): Pathogenic (1 of 4 stars; one submission).

Conditions:
Multiple congenital exostosis (EXT). Also called: Multiple exostoses; Hereditary multiple osteochondromas; Hereditary multiple exostoses; Hereditary multiple exostosis; Multiple osteochondromas; MULTIPLE CARTILAGINOUS EXOSTOSES. Identifiers: Orphanet 321, MedGen C0015306, MONDO:0005508, HP:0002762.

Submission:

Labcorp Genetics (formerly Invitae), Labcorp
Classification: Pathogenic for Multiple congenital exostosis. Last evaluated: 2022-04-24. Review status: criteria provided, single submitter. Criteria: Invitae Variant Classification Sherloc (09022015). Collection method: clinical testing. Allele origin: germline.
Comment: Disruption of the initiator codon has been observed in individual(s) with hereditary multiple osteochondromatosis (PMID: 17301954, 19810120; Invitae). This variant is not present in population databases (gnomAD no frequency). This sequence change affects the initiator methionine of the EXT1 mRNA. The next in-frame methionine is located at codon 100. For these reasons, this variant has been classified as Pathogenic.

Literature cited by the submitters: PubMed 17301954; PubMed 19810120.